The following is an entry in ClinVar:

NM_000038.6(APC):c.2101A>T (p.Met701Leu)

Gene: APC (APC regulator of Wnt signaling pathway; plus strand). Cytogenetic location: 5q22.2.
Variant type: single nucleotide variant.
Coding change: c.2101A>T on transcript NM_000038.6 (MANE Select); coding-DNA position 2101, A replaced by T.
Protein change: p.Met701Leu; replaces methionine 701 with leucine.
Molecular consequence: missense variant.
Genome position (GRCh38, 1-based): chr5:112,837,695, A>T. VCF-style: chr5-112837695-A-T. GRCh37 (hg19) VCF-style: chr5-112173392-A-T.
Other names: c.1621A>T, p.Met541Leu (NM_001354905.2); c.1252A>T, p.Met418Leu (NM_001354906.2); c.2101A>T, p.Met701Leu (NM_001127510.3, NM_001354895.2); c.2047A>T, p.Met683Leu (NM_001127511.3); c.2155A>T, p.Met719Leu (NM_001354896.2); c.2131A>T, p.Met711Leu (NM_001354897.2); c.2026A>T, p.Met676Leu (NM_001354898.2); c.2017A>T, p.Met673Leu (NM_001354899.2); and 5 more; short protein forms M701L, M683L, M575L, M600L, M642L, M673L, M541L, M660L.
Identifiers: ClinVar variation 577434 (VCV000577434.17), dbSNP rs1561574872, ClinGen allele CA16025923.

ClinVar aggregate classification (germline): Uncertain significance. Review status: criteria provided, multiple submitters, no conflicts (2 of 4 stars). 4 submissions from 4 submitters: Uncertain significance (4). Last evaluated 2025-06-09.

Conditions:
Hereditary cancer-predisposing syndrome. Also called: Tumor predisposition; Hereditary neoplastic syndrome; Hereditary Cancer Syndrome; Neoplastic Syndromes, Hereditary. Identifiers: Orphanet 140162, MedGen C0027672, MeSH D009386, MONDO:0015356.
Familial adenomatous polyposis 1 (FAP1). Also called: POLYPOSIS, ADENOMATOUS INTESTINAL; FAMILIAL ADENOMATOUS POLYPOSIS 1, ATTENUATED. Identifiers: MedGen C2713442, MONDO:0021056, OMIM 175100. Disease mechanism: loss of function.

Submissions (4):

Color Diagnostics, LLC DBA Color Health
Classification: Uncertain significance for Hereditary cancer-predisposing syndrome. Last evaluated: 2025-06-09. Review status: criteria provided, single submitter. Criteria: ACMG Guidelines, 2015. Collection method: clinical testing. Allele origin: germline.
Comment: This missense variant replaces methionine with leucine at codon 701 of the APC protein. Computational prediction suggests that this variant may not impact protein structure and function. To our knowledge, functional studies have not been reported for this variant. This variant has not been reported in individuals affected with APC-related disorders in the literature. This variant has not been identified in the general population by the Genome Aggregation Database (gnomAD). The available evidence is insufficient to determine the role of this variant in disease conclusively. Therefore, this variant is classified as a Variant of Uncertain Significance.

Baylor Genetics
Classification: Uncertain significance for Familial adenomatous polyposis 1. Last evaluated: 2024-03-28. Review status: criteria provided, single submitter. Criteria: ACMG Guidelines, 2015. Collection method: clinical testing. Allele origin: unknown.

Labcorp Genetics (formerly Invitae), Labcorp
Classification: Uncertain significance for Familial adenomatous polyposis 1. Last evaluated: 2022-12-11. Review status: criteria provided, single submitter. Criteria: Invitae Variant Classification Sherloc (09022015). Collection method: clinical testing. Allele origin: germline.
Comment: Advanced modeling of protein sequence and biophysical properties (such as structural, functional, and spatial information, amino acid conservation, physicochemical variation, residue mobility, and thermodynamic stability) performed at Invitae indicates that this missense variant is not expected to disrupt APC protein function. ClinVar contains an entry for this variant (Variation ID: 577434). This variant has not been reported in the literature in individuals affected with APC-related conditions. In summary, the available evidence is currently insufficient to determine the role of this variant in disease. Therefore, it has been classified as a Variant of Uncertain Significance. This variant is not present in population databases (gnomAD no frequency). This sequence change replaces methionine, which is neutral and non-polar, with leucine, which is neutral and non-polar, at codon 701 of the APC protein (p.Met701Leu).

Ambry Genetics
Classification: Uncertain significance for Hereditary cancer-predisposing syndrome. Last evaluated: 2020-09-17. Review status: criteria provided, single submitter. Criteria: Ambry Variant Classification Scheme 2023. Collection method: clinical testing. Allele origin: germline.
Comment: The p.M701L variant (also known as c.2101A>T), located in coding exon 15 of the APC gene, results from an A to T substitution at nucleotide position 2101. The methionine at codon 701 is replaced by leucine, an amino acid with highly similar properties. This amino acid position is well conserved in available vertebrate species. In addition, in silico predictors for this gene do not accurately predict pathogenicity. Since supporting evidence is limited at this time, the clinical significance of this alteration remains unclear.